The following is an entry in ClinVar:

ClinVar aggregate classification (germline): Uncertain significance. Review status: criteria provided, multiple submitters, no conflicts (2 of 4 stars). 2 submissions from 2 submitters: Uncertain significance (2). Last evaluated 2022-11-08.

Conditions:
Autosomal recessive limb-girdle muscular dystrophy type 2P. Also called: MUSCULAR DYSTROPHY-DYSTROGLYCANOPATHY, LIMB-GIRDLE, DAG1-RELATED; Limb-Girdle Muscular Dystrophy Type 9C; MUSCULAR DYSTROPHY, LIMB-GIRDLE, TYPE 2P. Identifiers: Orphanet 280333, MedGen C4511963, MONDO:0013440, OMIM 613818.
Muscular dystrophy-dystroglycanopathy (congenital with brain and eye anomalies), type A9. Also called: Muscular dystrophy-dystroglycanopathy (congenital with brain and eye anomalies), type a, 9; WALKER-WARBURG SYNDROME OR MUSCLE-EYE BRAIN DISEASE, DAG1-RELATED. Identifiers: Orphanet 370997, Orphanet 899, MedGen C4225291, MONDO:0014683, OMIM 616538.
Inborn genetic diseases. Identifiers: MedGen C0950123, MeSH D030342.

Allele frequency attached by ClinVar (database versions not stated): ExAC 0.00001; gnomAD exomes 0.00001.

Submissions (2):

Labcorp Genetics (formerly Invitae), Labcorp
Classification: Uncertain significance for Autosomal recessive limb-girdle muscular dystrophy type 2P; Muscular dystrophy-dystroglycanopathy (congenital with brain and eye anomalies), type A9. Last evaluated: 2022-11-08. Review status: criteria provided, single submitter. Criteria: Invitae Variant Classification Sherloc (09022015). Collection method: clinical testing. Allele origin: germline.
Comment: In summary, the available evidence is currently insufficient to determine the role of this variant in disease. Therefore, it has been classified as a Variant of Uncertain Significance. Advanced modeling of protein sequence and biophysical properties (such as structural, functional, and spatial information, amino acid conservation, physicochemical variation, residue mobility, and thermodynamic stability) performed at Invitae indicates that this missense variant is not expected to disrupt DAG1 protein function. This sequence change replaces alanine, which is neutral and non-polar, with threonine, which is neutral and polar, at codon 135 of the DAG1 protein (p.Ala135Thr). This variant is present in population databases (rs774419205, gnomAD 0.005%). This variant has not been reported in the literature in individuals affected with DAG1-related conditions. ClinVar contains an entry for this variant (Variation ID: 1418089).

Ambry Genetics
Classification: Uncertain significance for Inborn genetic diseases. Last evaluated: 2021-02-23. Review status: criteria provided, single submitter. Criteria: Ambry Variant Classification Scheme 2023. Collection method: clinical testing. Allele origin: germline.
Comment: The c.403G>A (p.A135T) alteration is located in exon 3 (coding exon 2) of the DAG1 gene. This alteration results from a G to A substitution at nucleotide position 403, causing the alanine (A) at amino acid position 135 to be replaced by a threonine (T). The p.A135T alteration is predicted to be tolerated by in silico analysis. Based on insufficient or conflicting evidence, the clinical significance of this alteration remains unclear.

NM_004393.6(DAG1):c.403G>A (p.Ala135Thr)

Gene: DAG1 (dystroglycan 1; plus strand). Cytogenetic location: 3p21.31.
Variant type: single nucleotide variant.
Coding change: c.403G>A on transcript NM_004393.6 (MANE Select); coding-DNA position 403, G replaced by A.
Protein change: p.Ala135Thr; replaces alanine 135 with threonine.
Molecular consequence: missense variant.
Genome position (GRCh38, 1-based): chr3:49,530,914, G>A. VCF-style: chr3-49530914-G-A. GRCh37 (hg19) VCF-style: chr3-49568347-G-A.
Other names: c.403G>A, p.Ala135Thr (NM_001165928.4, NM_001177634.3, NM_001177635.3 and 9 more transcripts); c.403G>A (NM_004393.4); short protein forms A135T.
Identifiers: ClinVar variation 1418089 (VCV001418089.6), dbSNP rs774419205, ClinGen allele CA2398896.
Genomic context (GRCh38, chr3:49,530,914, plus strand): 5'-CACACCCTGGAGGGCCTCCCCCTTGACACTGATAAGGGTGTGCATTACATTTCAGTGAGC[G>A]CTACACGGCTGGGGGCCAACGGGAGCCACATCCCCCAGACCTCCAGTGTGTTCTCCATCG-3'
Protein context (NP_004384.5, residues 125-145): DKGVHYISVS[Ala135Thr]TRLGANGSHI